The following is an entry in ClinVar:

NM_001330078.2(NRXN1):c.2233C>T (p.Arg745Trp)

Gene: NRXN1 (neurexin 1; minus strand). Cytogenetic location: 2p16.3.
Variant type: single nucleotide variant.
Coding change: c.2233C>T on transcript NM_001330078.2 (MANE Select); coding-DNA position 2233, C replaced by T.
Protein change: p.Arg745Trp; replaces arginine 745 with tryptophan.
Molecular consequence: missense variant.
Genome position (GRCh38, 1-based): chr2:50,531,341, G>A on the plus strand (C>T on the coding strand, the complement: NRXN1 is on the minus strand). VCF-style: chr2-50531341-G-A. GRCh37 (hg19) VCF-style: chr2-50758479-G-A.
Other names: c.2353C>T, p.Arg785Trp (NM_001135659.3); c.2209C>T, p.Arg737Trp (NM_001330077.2, NM_001330082.2, NM_001330095.2); c.2194C>T, p.Arg732Trp (NM_001330083.2, NM_001330084.2); c.2233C>T, p.Arg745Trp (NM_001330085.2, NM_001330086.2, NM_004801.6); c.2149C>T, p.Arg717Trp (NM_001330087.2, NM_001330096.2); c.2179C>T, p.Arg727Trp (NM_001330088.2); c.2230C>T, p.Arg744Trp (NM_001330093.2); c.2221C>T, p.Arg741Trp (NM_001330094.2); short protein forms R717W, R727W, R732W, R737W, R741W, R744W, R745W, R785W.
Identifiers: ClinVar variation 1315824 (VCV001315824.7), dbSNP rs750613816, ClinGen allele CA1654887.

ClinVar aggregate classification (germline): Uncertain significance. Review status: criteria provided, multiple submitters, no conflicts (2 of 4 stars). 2 submissions from 2 submitters: Uncertain significance (2). Last evaluated 2024-08-06.

Conditions:
Pitt-Hopkins-like syndrome 2 (PTHSL2). Identifiers: Orphanet 221150, Orphanet 600663, MedGen C3280479, MONDO:0013690, OMIM 614325.

Allele frequency attached by ClinVar (database versions not stated): gnomAD exomes 0.00001.
gnomAD v4.1: 8 of 1,613,224 alleles (0.0005%); highest among the groups gnomAD compares: Middle Eastern, 0.017%; no homozygotes.

Submissions (2):

Labcorp Genetics (formerly Invitae), Labcorp
Classification: Uncertain significance for Pitt-Hopkins-like syndrome 2. Last evaluated: 2024-08-06. Review status: criteria provided, single submitter. Criteria: Invitae Variant Classification Sherloc (09022015). Collection method: clinical testing. Allele origin: germline.
Comment: This sequence change replaces arginine, which is basic and polar, with tryptophan, which is neutral and slightly polar, at codon 785 of the NRXN1 protein (p.Arg785Trp). This variant is present in population databases (rs750613816, gnomAD 0.002%). This variant has not been reported in the literature in individuals affected with NRXN1-related conditions. ClinVar contains an entry for this variant (Variation ID: 1315824). An algorithm developed to predict the effect of missense changes on protein structure and function (PolyPhen-2) suggests that this variant is likely to be disruptive. In summary, the available evidence is currently insufficient to determine the role of this variant in disease. Therefore, it has been classified as a Variant of Uncertain Significance.

GeneDx
Classification: Uncertain significance. Last evaluated: 2021-01-04. Review status: criteria provided, single submitter. Criteria: GeneDx Variant Classification Process June 2021. Collection method: clinical testing. Allele origin: germline. Affected: yes.
Comment: Not observed at a significant frequency in large population cohorts (Lek et al., 2016); In silico analysis supports that this missense variant has a deleterious effect on protein structure/function; Has not been previously published as pathogenic or benign to our knowledge